The following is an entry in ClinVar:

NM_025233.7(COASY):c.915+42C>T

Gene: COASY (Coenzyme A synthase; plus strand). Cytogenetic location: 17q21.2.
Variant type: single nucleotide variant.
Coding change: c.915+42C>T on transcript NM_025233.7 (MANE Select); 42 bases into the intron after coding-DNA position 915, C replaced by T.
Molecular consequence: intron variant.
Genome position (GRCh38, 1-based): chr17:42,564,217, C>T. VCF-style: chr17-42564217-C-T. GRCh37 (hg19) VCF-style: chr17-40716235-C-T.
Other names: c.1002+42C>T (NM_001042532.4); c.915+42C>T (NM_001042529.3).
Identifiers: ClinVar variation 1251793 (VCV001251793.5), dbSNP rs668799, ClinGen allele CA8578099.

ClinVar aggregate classification (germline): Benign. Review status: criteria provided, multiple submitters, no conflicts (2 of 4 stars). 3 submissions from 3 submitters: Benign (3). Last evaluated 2024-07-31.

Allele frequency attached by ClinVar (database versions not stated): TOPMed 0.24033; ESP Exome Variant Server 0.24099; gnomAD exomes 0.28242 and 0.28315; 1000 Genomes Project 30x 0.30700; 1000 Genomes Project 0.31649; ExAC 0.33281.
gnomAD v4.1: 442,713 of 1,586,322 alleles (28%); highest among the groups gnomAD compares: South Asian, 44%; 64,417 homozygotes.

Submissions (3):

Unidad de Genómica Garrahan, Hospital de Pediatría Garrahan
Classification: Benign. Last evaluated: 2024-07-31. Review status: criteria provided, single submitter. Criteria: ACMG Guidelines, 2015. Collection method: clinical testing. Allele origin: germline. Affected: no. Observed: 28 variant alleles.
Comment: This variant is classified as Benign based on local population frequency. This variant was detected in 30% of patients studied in a panel designed for Epileptic and Developmental Encephalopathy, Progressive Myoclonus Epilepsy and Abnormal Movements and Neurodegeneration with brain iron accumulation. Number of patients: 28. Only high quality variants are reported.

GeneDx
Classification: Benign. Last evaluated: 2018-06-26. Review status: criteria provided, single submitter. Criteria: GeneDx Variant Classification Process June 2021. Collection method: clinical testing. Allele origin: germline. Affected: yes.

Breakthrough Genomics
Classification: Benign. Review status: criteria provided, single submitter. Criteria: ACMG Guidelines, 2015. Collection method: not provided. Allele origin: germline. Inheritance: Autosomal recessive inheritance. Affected: yes.